The following is an entry in ClinVar:

NM_001278116.2(L1CAM):c.3046+1G>A

Gene: L1CAM (L1 cell adhesion molecule; minus strand). Cytogenetic location: Xq28.
Variant type: single nucleotide variant.
Coding change: c.3046+1G>A on transcript NM_001278116.2 (MANE Select); the canonical splice donor site of the intron after coding-DNA position 3046, G replaced by A.
Molecular consequence: splice donor variant.
Genome position (GRCh38, 1-based): chrX:153,864,820, C>T on the plus strand (G>A on the coding strand, the complement: L1CAM is on the minus strand). VCF-style: chrX-153864820-C-T. GRCh37 (hg19) VCF-style: chrX-153130275-C-T.
Other names: c.3031+1G>A (NM_001143963.2); c.3046+1G>A (NM_024003.3, NM_000425.5).
Identifiers: ClinVar variation 1344539 (VCV001344539.2), dbSNP rs1557090220, ClinGen allele CA415113616.

ClinVar aggregate classification (germline): Pathogenic (1 of 4 stars; one submission).

Conditions:
X-linked hydrocephalus syndrome (HYCX). Also called: X-linked hydrocephalus; X-Linked Hydrocephalus with Stenosis of the Aqueduct of Sylvius (HSAS); HYDROCEPHALUS, CONGENITAL, X-LINKED; AQUEDUCTAL STENOSIS, X-LINKED; X-Linked Hydrocephalus with Stenosis of the Aqueduct of Sylvius. Identifiers: Orphanet 2182, MedGen C0265216, MONDO:0010611, OMIM 307000.

Submission:

Genetic Metabolism Laboratory, West China Second University Hospital, Sichuan University
Classification: Pathogenic for X-linked hydrocephalus syndrome. Last evaluated: 2022-03-10. Review status: criteria provided, single submitter. Criteria: ACMG Guidelines, 2015. Collection method: clinical testing. Allele origin: maternal. Affected: yes. Observed: 3 variant alleles, 1 heterozygote, 2 hemizygotes. Clinical features observed: Congenital Hydrocephalus.
Comment: This sequence change affects a donor splice site in intron 22 of the L1CAM gene.This variant has not been reported in the literature in individuals. This prediction has been confirmed by mRNA splicing analysis, resulting in retension of intron 22 (r.3046_3047ins[ga;3046+1_3046+116]) and producing frameshift and premature termination codon (NP_000416.1 p.Gly1016AspfsTer6). According to ACMG, this variant has been classified as Pathogenic (PVS1+PS3+PM2+PP4).